The following is an entry in ClinVar:

ClinVar aggregate classification (germline): Uncertain significance (1 of 4 stars; one submission).

Allele frequency attached by ClinVar (database versions not stated): gnomAD exomes below 0.00001.
gnomAD v4.1: 1 of 1,612,846 alleles (0.000062%); highest among the groups gnomAD compares: Non-Finnish European, 0.000085%; no homozygotes.

Submission:

Labcorp Genetics (formerly Invitae), Labcorp
Classification: Uncertain significance. Last evaluated: 2023-11-16. Review status: criteria provided, single submitter. Criteria: Invitae Variant Classification Sherloc (09022015). Collection method: clinical testing. Allele origin: germline.
Comment: This sequence change replaces aspartic acid, which is acidic and polar, with asparagine, which is neutral and polar, at codon 1258 of the ARID1A protein (p.Asp1258Asn). This variant is not present in population databases (gnomAD no frequency). This variant has not been reported in the literature in individuals affected with ARID1A-related conditions. Advanced modeling of protein sequence and biophysical properties (such as structural, functional, and spatial information, amino acid conservation, physicochemical variation, residue mobility, and thermodynamic stability) performed at Invitae indicates that this missense variant is not expected to disrupt ARID1A protein function with a negative predictive value of 80%. In summary, the available evidence is currently insufficient to determine the role of this variant in disease. Therefore, it has been classified as a Variant of Uncertain Significance.

NM_006015.6(ARID1A):c.3772G>A (p.Asp1258Asn)

Gene: ARID1A (AT-rich interaction domain 1A; plus strand). Cytogenetic location: 1p36.11.
Variant type: single nucleotide variant.
Coding change: c.3772G>A on transcript NM_006015.6 (MANE Select); coding-DNA position 3772, G replaced by A.
Protein change: p.Asp1258Asn; replaces aspartic acid 1258 with asparagine.
Molecular consequence: missense variant.
Genome position (GRCh38, 1-based): chr1:26,773,402, G>A. VCF-style: chr1-26773402-G-A. GRCh37 (hg19) VCF-style: chr1-27099893-G-A.
Other names: c.3772G>A, p.Asp1258Asn (NM_139135.4); short protein forms D1258N.
Identifiers: ClinVar variation 2696325 (VCV002696325.3), dbSNP rs2124110697, ClinGen allele CA339168592.
Genomic context (GRCh38, chr1:26,773,402, plus strand): 5'-TCAGCTCCAGGGAGTGATCCCTTCATGTCCTCAGGGCAGGGCCCCAACGGCGGGATGGGT[G>A]ACCCCTACAGTCGTGCTGCCGGCCCTGGGCTAGGAAATGTGGCGATGGGACCACGACAGC-3'
Protein context (NP_006006.3, residues 1248-1268): SGQGPNGGMG[Asp1258Asn]PYSRAAGPGL